The following is an entry in ClinVar:

NM_001411068.1(CLN6):c.46C>T (p.Arg16Trp)

Gene: CLN6 (CLN6 transmembrane ER protein; minus strand). Cytogenetic location: 15q23.
Variant type: single nucleotide variant.
Coding change: c.46C>T on transcript NM_001411068.1; coding-DNA position 46, C replaced by T.
Protein change: p.Arg16Trp; replaces arginine 16 with tryptophan.
Molecular consequence: missense variant.
Genome position (GRCh38, 1-based): chr15:68,256,823, G>A on the plus strand (C>T on the coding strand, the complement: CLN6 is on the minus strand). VCF-style: chr15-68256823-G-A. GRCh37 (hg19) VCF-style: chr15-68549161-G-A.
Other names: short protein forms R16W.
Identifiers: ClinVar variation 3777831 (VCV003777831.7).

ClinVar aggregate classification (germline): Likely benign (1 of 4 stars; one submission).

gnomAD v4.1: 1,325 of 701,086 alleles (0.19%); highest among the groups gnomAD compares: Middle Eastern, 0.71%; 5 homozygotes.

Submission:

CeGaT Center for Human Genetics Tuebingen
Classification: Likely benign. Last evaluated: 2025-03-01. Review status: criteria provided, single submitter. Criteria: CeGaT Center For Human Genetics Tuebingen Variant Classification Criteria Version 2. Collection method: clinical testing. Allele origin: germline. Affected: yes. Observed: 1 variant allele.
Comment: CLN6: PP3, BS2